The following is an entry in ClinVar:

NM_007294.4(BRCA1):c.3908T>G (p.Leu1303Trp)

Genes: BRCA1 (BRCA1 DNA repair associated; minus strand), LOC126862571 (BRD4-independent group 4 enhancer GRCh37_chr17:41243136-41244335; plus strand). Cytogenetic location: 17q21.31.
Variant type: single nucleotide variant.
Coding change: c.3908T>G on transcript NM_007294.4 (MANE Select); coding-DNA position 3908, T replaced by G.
Protein change: p.Leu1303Trp; replaces leucine 1303 with tryptophan.
Molecular consequence: missense variant. On other transcripts: intron variant (135).
Genome position (GRCh38, 1-based): chr17:43,091,623, A>C on the plus strand (T>G on the coding strand, the complement: BRCA1 is on the minus strand). VCF-style: chr17-43091623-A-C. GRCh37 (hg19) VCF-style: chr17-41243640-A-C.
Other names: c.3764T>G, p.Leu1255Trp (NM_001407844.1, NM_001407845.1, NM_001407846.1 and 20 more transcripts); c.3767T>G, p.Leu1256Trp (NM_001407850.1, NM_001407851.1, NM_001407852.1 and 29 more transcripts); c.3908T>G, p.Leu1303Trp (NM_001407854.1, NM_001407858.1, NM_001407859.1 and 30 more transcripts); c.3905T>G, p.Leu1302Trp (NM_001407860.1, NM_001407861.1, NM_001407587.1 and 22 more transcripts); c.3707T>G, p.Leu1236Trp (NM_001407862.1); c.3698T>G, p.Leu1233Trp (NM_001407889.1, NM_001407881.1, NM_001407882.1 and 13 more transcripts); c.3695T>G, p.Leu1232Trp (NM_001407894.1, NM_001407853.1, NM_001407571.1 and 9 more transcripts); c.3785T>G, p.Leu1262Trp (NM_001407863.1, NM_001407648.1, NM_001407664.1 and 19 more transcripts); and 41 more; short protein forms L1256W, L1303W, L1191W, L1215W, L1235W, L1236W, L1276W, L1300W.
Identifiers: ClinVar variation 1348340 (VCV001348340.9), dbSNP rs2154277653, ClinGen allele CA10594147.

ClinVar aggregate classification (germline): Conflicting classifications of pathogenicity. Review status: criteria provided, conflicting classifications (1 of 4 stars). 2 submissions from 2 submitters: Uncertain significance (1); Likely benign (1). Last evaluated 2023-12-11.

Conditions:
Hereditary cancer-predisposing syndrome. Also called: Hereditary neoplastic syndrome; Tumor predisposition; Neoplastic Syndromes, Hereditary; Hereditary Cancer Syndrome. Identifiers: Orphanet 140162, MedGen C0027672, MeSH D009386, MONDO:0015356.
Hereditary breast ovarian cancer syndrome. Also called: Hereditary breast and ovarian cancer; Hereditary breast and/or ovarian cancer syndrome; Breast and ovarian cancer; BRCA1- and BRCA2-Associated Hereditary Breast and Ovarian Cancer; Hereditary breast and ovarian cancer syndrome; Hereditary breast and ovarian cancer syndrome (HBOC). Identifiers: Orphanet 145, MedGen C0677776, MeSH D061325, MONDO:0003582. Disease mechanism: loss of function.

Submissions (2):

Labcorp Genetics (formerly Invitae), Labcorp
Classification: Uncertain significance for Hereditary breast ovarian cancer syndrome. Last evaluated: 2023-12-11. Review status: criteria provided, single submitter. Criteria: Invitae Variant Classification Sherloc (09022015). Collection method: clinical testing. Allele origin: germline.
Comment: This sequence change replaces leucine, which is neutral and non-polar, with tryptophan, which is neutral and slightly polar, at codon 1303 of the BRCA1 protein (p.Leu1303Trp). This variant is not present in population databases (gnomAD no frequency). This variant has not been reported in the literature in individuals affected with BRCA1-related conditions. ClinVar contains an entry for this variant (Variation ID: 1348340). Advanced modeling of protein sequence and biophysical properties (such as structural, functional, and spatial information, amino acid conservation, physicochemical variation, residue mobility, and thermodynamic stability) performed at Invitae indicates that this missense variant is not expected to disrupt BRCA1 protein function with a negative predictive value of 95%. In summary, the available evidence is currently insufficient to determine the role of this variant in disease. Therefore, it has been classified as a Variant of Uncertain Significance.

University of Washington Department of Laboratory Medicine, University of Washington
Classification: Likely benign for Hereditary cancer-predisposing syndrome. Last evaluated: 2023-03-23. Review status: criteria provided, single submitter. Criteria: Dines et al. (Genet Med. 2020). Collection method: curation. Allele origin: germline.
Comment: Missense variant in a coldspot region where missense variants are very unlikely to be pathogenic (PMID:31911673).

BRCA1 coldspot (exon 11 using historical exon numbering). Reclassification based on statistical prior probability